The following is an entry in ClinVar:

NM_006206.6(PDGFRA):c.814G>T (p.Val272Leu)

Gene: PDGFRA (platelet derived growth factor receptor alpha; plus strand). Cytogenetic location: 4q12.
Variant type: single nucleotide variant.
Coding change: c.814G>T on transcript NM_006206.6 (MANE Select); coding-DNA position 814, G replaced by T.
Protein change: p.Val272Leu; replaces valine 272 with leucine.
Molecular consequence: missense variant.
Genome position (GRCh38, 1-based): chr4:54,267,343, G>T. VCF-style: chr4-54267343-G-T. GRCh37 (hg19) VCF-style: chr4-55133510-G-T.
Other names: c.814G>T, p.Val272Leu (NM_001347827.2, NM_001347829.2); c.889G>T, p.Val297Leu (NM_001347828.2); c.853G>T, p.Val285Leu (NM_001347830.2); short protein forms V272L, V285L, V297L.
Identifiers: ClinVar variation 3305465 (VCV003305465.1).
Genomic context (GRCh38, chr4:54,267,343, plus strand): 5'-CTGTAGAAAGGCAAAGGCATCACAATGCTGGAAGAAATCAAAGTCCCATCCATCAAATTG[G>T]TGTACACTTTGACGGTCCCCGAGGCCACGGTGAAAGACAGTGGAGATTACGAATGTGCTG-3'
Protein context (NP_006197.1, residues 262-282): EEIKVPSIKL[Val272Leu]YTLTVPEATV

ClinVar aggregate classification (germline): Uncertain significance (1 of 4 stars; one submission).

Conditions:
Hereditary cancer-predisposing syndrome. Also called: Tumor predisposition; Hereditary Cancer Syndrome; Hereditary neoplastic syndrome; Neoplastic Syndromes, Hereditary. Identifiers: Orphanet 140162, MedGen C0027672, MeSH D009386, MONDO:0015356.

Submission:

Ambry Genetics
Classification: Uncertain significance for Hereditary cancer-predisposing syndrome. Last evaluated: 2024-03-27. Review status: criteria provided, single submitter. Criteria: Ambry Variant Classification Scheme 2023. Collection method: clinical testing. Allele origin: germline.
Comment: The p.V272L variant (also known as c.814G>T), located in coding exon 5 of the PDGFRA gene, results from a G to T substitution at nucleotide position 814. The valine at codon 272 is replaced by leucine, an amino acid with highly similar properties. This amino acid position is conserved. In addition, this alteration is predicted to be tolerated by in silico analysis. Based on the available evidence, the clinical significance of this alteration remains unclear.